The following is an entry in ClinVar:

ClinVar aggregate classification (germline): Uncertain significance (1 of 4 stars; one submission).

Conditions:
Immunodeficiency 23 (IMD23). Also called: IMMUNODEFICIENCY WITH HYPER IgE AND COGNITIVE IMPAIRMENT; IMMUNODEFICIENCY-VASCULITIS-MYOCLONUS SYNDROME. Identifiers: Orphanet 443811, MedGen C4014371, MONDO:0014353, OMIM 615816.

Submission:

Neuberg Centre For Genomic Medicine, NCGM
Classification: Uncertain significance for Immunodeficiency 23. Last evaluated: 2023-07-22. Review status: criteria provided, single submitter. Criteria: ACMG Guidelines, 2015. Collection method: clinical testing. Allele origin: germline. Inheritance: Autosomal recessive inheritance. Affected: yes.
Comment: The missense variant c.94G>A p.Ala32Thr in the PGM3 gene has not been reported previously as a pathogenic variant nor as a benign variant, to our knowledge. This variant is reported with the allele frequency 0.001% in the gnomAD Exomes. The amino acid Ala at position 32 is changed to a Thr changing protein sequence, which might alter its composition and physico-chemical properties. Multiple lines of computational evidence Polyphen - Damaging, SIFT - Damaging and MutationTaster - Disease causing predict a damaging effect on protein structure and function for this variant. The amino acid change p.Ala32Thr in PGM3 is predicted as conserved by GERP++ and PhyloP across 100 vertebrates. For these reasons, this variant has been classified as Uncertain Significance.

NM_015599.3(PGM3):c.94G>A (p.Ala32Thr)

Gene: PGM3 (phosphoglucomutase 3; minus strand). Cytogenetic location: 6q14.1.
Variant type: single nucleotide variant.
Coding change: c.94G>A on transcript NM_015599.3 (MANE Select); coding-DNA position 94, G replaced by A.
Protein change: p.Ala32Thr; replaces alanine 32 with threonine.
Molecular consequence: missense variant. On other transcripts: non-coding transcript variant (1), intron variant (1).
Genome position (GRCh38, 1-based): chr6:83,190,919, C>T on the plus strand (G>A on the coding strand, the complement: PGM3 is on the minus strand). VCF-style: chr6-83190919-C-T. GRCh37 (hg19) VCF-style: chr6-83900638-C-T.
Other names: c.178G>A, p.Ala60Thr (NM_001199917.2, NM_001367287.1); c.94G>A, p.Ala32Thr (NM_001199919.2, NM_001367286.1); c.-39-2121G>A (NM_001199918.2); short protein forms A32T, A60T.
Identifiers: ClinVar variation 3391362 (VCV003391362.1).